The following is an entry in ClinVar:

NM_001267550.2(TTN):c.2761G>A (p.Gly921Arg)

Gene: TTN (titin; minus strand). Cytogenetic location: 2q31.2.
Variant type: single nucleotide variant.
Coding change: c.2761G>A on transcript NM_001267550.2 (MANE Select); coding-DNA position 2761, G replaced by A.
Protein change: p.Gly921Arg; replaces glycine 921 with arginine.
Molecular consequence: missense variant.
Genome position (GRCh38, 1-based): chr2:178,784,084, C>T on the plus strand (G>A on the coding strand, the complement: TTN is on the minus strand). VCF-style: chr2-178784084-C-T. GRCh37 (hg19) VCF-style: chr2-179648811-C-T.
Other names: c.2761G>A, p.Gly921Arg (NM_133378.4, NM_001256850.1, NM_133379.5); c.2623G>A, p.Gly875Arg (NM_003319.4, NM_133432.3, NM_133437.4); short protein forms G921R, G875R.
Identifiers: ClinVar variation 228077 (VCV000228077.28), dbSNP rs774924294, ClinGen allele CA2005744.
Genomic context (GRCh38, chr2:178,784,084, plus strand): 5'-GCTCAATGGGAGTGGACCATGTAACAGCGGGTAACCAGTGACCAACCTTGGCTTCGCGTC[C>T]GTGCAGTACTTCAAAGCGCTCTTCACGGACGGTGGTGCCAGTGATGCTCACCCCTACTTC-3'
Protein context (NP_001254479.2, residues 911-931): VREERFEVLH[Gly921Arg]REAKVTETAR

ClinVar aggregate classification (germline): Conflicting classifications of pathogenicity. Review status: criteria provided, conflicting classifications (1 of 4 stars). 3 submissions from 3 submitters: Uncertain significance (1); Likely benign (2). Last evaluated 2024-03-01.

Allele frequency attached by ClinVar (database versions not stated): gnomAD below 0.00001 and 0.00001; TOPMed 0.00003; gnomAD exomes 0.00004 and 0.00006; ExAC 0.00006.

Submissions (3):

CeGaT Center for Human Genetics Tuebingen
Classification: Likely benign. Last evaluated: 2024-03-01. Review status: criteria provided, single submitter. Criteria: CeGaT Center For Human Genetics Tuebingen Variant Classification Criteria Version 2. Collection method: clinical testing. Allele origin: germline. Affected: yes. Observed: 1 variant allele.
Comment: TTN: BP4

Revvity Omics, Revvity
Classification: Uncertain significance. Last evaluated: 2024-02-28. Review status: criteria provided, single submitter. Criteria: ACMG Guidelines, 2015. Collection method: clinical testing. Allele origin: germline.

Laboratory for Molecular Medicine, Mass General Brigham Personalized Medicine
Classification: Likely benign. Last evaluated: 2015-03-30. Review status: criteria provided, single submitter. Criteria: LMM Criteria. Collection method: clinical testing. Allele origin: germline. Observed: 1 variant allele.
Comment: p.Gly921Arg in exon 16 of TTN: This variant is not expected to have clinical sig nificance due to a lack of conservation across species, including mammals. Of no te, 8 mammals have an arginine (Arg) at this position. It has also been identifi ed in 4/16510 South Asian chromosomes by the Exome Aggregation Consortium (ExAC).